The following is an entry in ClinVar:

ClinVar aggregate classification (germline): Pathogenic (1 of 4 stars; one submission).

Conditions:
Charcot-Marie-Tooth disease type 2. Also called: Charcot-Marie-Tooth type 2. Identifiers: Orphanet 64746, MedGen C0270914, MONDO:0018993.

Submission:

Labcorp Genetics (formerly Invitae), Labcorp
Classification: Pathogenic for Charcot-Marie-Tooth disease type 2. Last evaluated: 2017-11-19. Review status: criteria provided, single submitter. Criteria: Invitae Variant Classification Sherloc (09022015). Collection method: clinical testing. Allele origin: germline.
Comment: For these reasons, this variant has been classified as Pathogenic. A different missense substitution at this codon (p.Arg249Gln) has been determined to be pathogenic (PMID: 10739764, 20980393, 21632249, 22883396, 19524666). This suggests that the arginine residue is critical for LMNA protein function and that other missense substitutions at this position may also be pathogenic. Experimental studies have shown that this missense change results in abnormal protein localization and nuclear shape abnormalities (PMID: 26098624, 20848652). In addition, experimental studies in cultured patient cells have shown that this missense change leads to impaired cytoskeletal adaptation in response to mechanical stress (PMID: 24806962). This variant has been reported in individuals affected with infantile-onset LMNA-associated myopathy, congenital muscular dystrophy, and Emery-Dreifuss muscular dystrophy (EDMD) (PMID: 21632249, 20848652, 20886652, 26098624, 18551513, 24508248). In many of these individuals this variant was shown to arise de-novo (PMID: 20886652, 26098624, 18551513, 24508248). This variant is not present in population databases (ExAC no frequency). This sequence change replaces arginine with tryptophan at codon 249 of the LMNA protein (p.Arg249Trp). The arginine residue is highly conserved and there is a moderate physicochemical difference between arginine and tryptophan.

Literature cited by the submitters: PubMed 10739764; PubMed 20980393; PubMed 21632249; PubMed 22883396; PubMed 19524666; PubMed 26098624; PubMed 20848652; PubMed 24806962; PubMed 20886652; PubMed 18551513; PubMed 24508248.

NM_170707.4(LMNA):c.744_745delinsTT (p.Arg249Trp)

Gene: LMNA (lamin A/C; plus strand). Cytogenetic location: 1q22.
Variant type: Indel.
Coding change: c.744_745delinsTT on transcript NM_170707.4 (MANE Select); coding-DNA positions 744 to 745, GC replaced by TT.
Protein change: p.Arg249Trp; replaces arginine 249 with tryptophan.
Molecular consequence: missense variant.
Genome position (GRCh38, 1-based): chr1:156,134,909-156,134,910, GC replaced by TT. VCF-style: chr1-156134909-GC-TT. GRCh37 (hg19) VCF-style: chr1-156104700-GC-TT.
Other names: c.408_409delinsTT, p.Arg137Trp (NM_001257374.3); c.501_502delinsTT, p.Arg168Trp (NM_001282624.2); c.744_745delinsTT, p.Arg249Trp (NM_001282625.2, NM_001282626.2, NM_005572.4 and 1 more transcripts); short protein forms R137W, R168W, R249W.
Identifiers: ClinVar variation 543181 (VCV000543181.7), dbSNP rs1553265342, ClinGen allele CA658795529.
Genomic context (GRCh38, chr1:156,134,909, plus strand): 5'-GATTGACAATGGGAAGCAGCGTGAGTTTGAGAGCCGGCTGGCGGATGCGCTGCAGGAACT[GC>TT]GGGCCCAGCATGAGGACCAGGTGGAGCAGTATAAGAAGGAGCTGGAGAAGACTTATTCTG-3'
Protein context (NP_733821.1, residues 239-259): SRLADALQEL[Arg249Trp]AQHEDQVEQY